The following is an entry in ClinVar:

ClinVar aggregate classification (germline): Likely benign. Review status: criteria provided, multiple submitters, no conflicts (2 of 4 stars). 2 submissions from 2 submitters: Likely benign (2). Last evaluated 2019-12-31.

Allele frequency attached by ClinVar (database versions not stated): ExAC 0.00001; gnomAD 0.00001; gnomAD exomes 0.00001 and 0.00002; TOPMed 0.00002.
gnomAD v4.1: 17 of 1,614,084 alleles (0.0011%); highest among the groups gnomAD compares: Admixed American, 0.012%; no homozygotes.

Submissions (2):

Labcorp Genetics (formerly Invitae), Labcorp
Classification: Likely benign. Last evaluated: 2019-12-31. Review status: criteria provided, single submitter. Criteria: Invitae Variant Classification Sherloc (09022015). Collection method: clinical testing. Allele origin: germline.

GeneDx
Classification: Likely benign. Last evaluated: 2016-07-05. Review status: criteria provided, single submitter. Criteria: GeneDx Variant Classification (06012015). Collection method: clinical testing. Allele origin: germline. Affected: yes.
Comment: This variant is considered likely benign or benign based on one or more of the following criteria: it is a conservative change, it occurs at a poorly conserved position in the protein, it is predicted to be benign by multiple in silico algorithms, and/or has population frequency not consistent with disease.

NM_017668.3(NDE1):c.831C>T (p.Leu277=)

Gene: NDE1 (nudE neurodevelopment protein 1; plus strand). Cytogenetic location: 16p13.11.
Variant type: single nucleotide variant.
Coding change: c.831C>T on transcript NM_017668.3 (MANE Select); coding-DNA position 831, C replaced by T.
Protein change: p.Leu277=; no amino-acid change (leucine 277 retained).
Molecular consequence: synonymous variant.
Genome position (GRCh38, 1-based): chr16:15,696,744, C>T. VCF-style: chr16-15696744-C-T. GRCh37 (hg19) VCF-style: chr16-15790601-C-T.
Other names: c.831C>T, p.Leu277= (NM_001143979.2).
Identifiers: ClinVar variation 387420 (VCV000387420.5), dbSNP rs201193386, ClinGen allele CA7920866.